The following is an entry in ClinVar:

NM_007055.4(POLR3A):c.3337-11T>C

Gene: POLR3A (RNA polymerase III subunit A; minus strand). Cytogenetic location: 10q22.3.
Variant type: single nucleotide variant.
Coding change: c.3337-11T>C on transcript NM_007055.4 (MANE Select); 11 bases into the intron before coding-DNA position 3337, T replaced by C.
Molecular consequence: intron variant.
Genome position (GRCh38, 1-based): chr10:77,984,023, A>G on the plus strand (T>C on the coding strand, the complement: POLR3A is on the minus strand). VCF-style: chr10-77984023-A-G. GRCh37 (hg19) VCF-style: chr10-79743781-A-G.
Identifiers: ClinVar variation 549559 (VCV000549559.29), dbSNP rs1564613755, ClinGen allele CA913189866.

ClinVar aggregate classification (germline): Pathogenic/Likely pathogenic. Review status: criteria provided, multiple submitters, no conflicts (2 of 4 stars). 9 submissions from 9 submitters: Pathogenic (5); Likely pathogenic (2). 2 of the submissions do not count toward it. Last evaluated 2025-10-03.

Conditions:
POLR3A-related disorder. Also called: POLR3A-related disorders; POLR3A-related condition. Identifiers: MedGen CN378587, MONDO:0700276.
Neonatal pseudo-hydrocephalic progeroid syndrome. Also called: Wiedemann-Rautenstrauch syndrome. Identifiers: Orphanet 3455, MedGen C0406586, MONDO:0009910, OMIM 264090.
Leukodystrophy, hypomyelinating, 7, with or without oligodontia and/or hypogonadotropic hypogonadism (HLD7). Also called: LEUKOENCEPHALOPATHY, HYPOMYELINATING, WITH ATAXIA AND DELAYED DENTITION; ATAXIA, DELAYED DENTITION, AND HYPOMYELINATION; LEUKODYSTROPHY, HYPOMYELINATING, 7, WITH OLIGODONTIA; LEUKODYSTROPHY, HYPOMYELINATING, 7, WITH OLIGODONTIA AND HYPOGONADOTROPIC HYPOGONADISM; LEUKODYSTROPHY, HYPOMYELINATING, 7, WITHOUT OLIGODONTIA OR HYPOGONADOTROPIC HYPOGONADISM; Ataxia, Delayed Dentition and Hypomyelination (ADDH). Identifiers: Orphanet 137639, Orphanet 447893, Orphanet 447896, Orphanet 77295, Orphanet 88637, MedGen CN034185, MONDO:0011897, OMIM 607694.

Allele frequency attached by ClinVar (database versions not stated): TOPMed below 0.00001; gnomAD exomes 0.00001; gnomAD 0.00001.
gnomAD v4.1: 19 of 1,571,422 alleles (0.0012%); highest among the groups gnomAD compares: Middle Eastern, 0.017%; no homozygotes.

Submissions (9):

3billion
Classification: Pathogenic for Leukodystrophy, hypomyelinating, 7, with or without oligodontia and/or hypogonadotropic hypogonadism. Last evaluated: 2025-10-03. Review status: criteria provided, single submitter. Criteria: ACMG Guidelines, 2015. Collection method: clinical testing. Allele origin: germline. Affected: yes.
Comment: The variant is observed at an extremely low frequency in the gnomAD v4.1.0 dataset (total allele frequency: 0.241%). Predicted Consequence/Location: Intron variant: previously reported to alter splicing and result in a loss of normal protein function through nonsense-mediated decay (NMD) or protein truncation (PMID: 28459997). Intron variant: previously reported to alter splicing and result in a loss of normal protein function through nonsense-mediated decay (NMD) or protein truncation (PMID: 28459997). Therefore, this variant is classified as Pathogenic according to the recommendation of ACMG/AMP guideline.

Victorian Clinical Genetics Services, Murdoch Childrens Research Institute
Classification: Pathogenic for Neonatal pseudo-hydrocephalic progeroid syndrome. Last evaluated: 2024-09-23. Review status: criteria provided, single submitter. Criteria: ACMG Guidelines, 2015. Collection method: clinical testing. Allele origin: germline. Inheritance: Autosomal recessive inheritance. Affected: yes.
Comment: Based on the classification scheme VCGS_Germline_v1.3.4, this variant is classified as Pathogenic. Following criteria are met: 0102 - Loss of function is a known mechanism of disease in this gene and is associated with hypomyelinating leukodystrophy 7, with or without oligodontia and/or hypogonadotropic hypogonadism (MIM# 607694), Wiedemann-Rautenstrauch syndrome (MIM#264090) and POLR3A-related spastic ataxia (PMID: 31637490). (I) 0106 - This gene is associated with autosomal recessive disease. (I) 0115 - Variants in this gene are known to have variable expressivity. Intrafamilial variability in individuals with a leukodystrophy phenotype have been reported (PMID: 21855841). (I) 0210 - Splice site variant proven to affect splicing of the transcript with a known effect on protein sequence. cDNA analysis using a peripheral blood RNA sample from an affected individual with this variant showed exon 26 skipping, resulting in p.(Ile1113_Glu1143del) (PMID: 30414627). (SP) 0251 - This variant is heterozygous. (I) 0304 - Variant is present in gnomAD (v3) <0.01 for a recessive condition (2 heterozygotes, 0 homozygotes). (SP) 0600 - Variant is expected to disrupt the RNA_pol_Rpb1_5 domain (DECIPHER). (I) 0703 - Another splice site variant comparable to the one identified in this case has moderate previous evidence for pathogenicity. c.3337-5T>A, which has been shown to cause exon 26 skipping, has been reported in multiple individuals with Wiedemann-Rautenstrauch syndrome (PMID: 30414627). The variant has also been reported as likely pathogenic by a clinical testing laboratory (ClinVar). (SP) 0801 - This variant has strong previous evidence of pathogenicity in unrelated individuals. It has been reported in four unrelated individuals with Wiedemann-Rautenstrauch syndrome (PMIDs: 30414627, 32555393, 36825045). In three of those individuals, the variant has been reported to be compound heterozygous with another splice or NMD-predicted variant. It has also been reported as pathogenic by two clinical testing laboratories (ClinVar). (SP) 1208 - Inheritance information for this variant is not currently available in this individual. (I) Legend: (SP) - Supporting pathogenic, (I) - Information, (SB) - Supporting benign

Labcorp Genetics (formerly Invitae), Labcorp
Classification: Pathogenic. Last evaluated: 2024-08-10. Review status: criteria provided, single submitter. Criteria: Invitae Variant Classification Sherloc (09022015). Collection method: clinical testing. Allele origin: germline.
Comment: This sequence change falls in intron 25 of the POLR3A gene. It does not directly change the encoded amino acid sequence of the POLR3A protein. RNA analysis indicates that this variant induces altered splicing and likely results in a shortened protein product. This variant is not present in population databases (gnomAD no frequency). This variant has been observed in individual(s) with Wiedemann-Rautenstrauch syndrome (PMID: 30323018, 30414627, 32555393). In at least one individual the data is consistent with being in trans (on the opposite chromosome) from a pathogenic variant. ClinVar contains an entry for this variant (Variation ID: 549559). Studies have shown that this variant results in skipping of exon 26, but is expected to preserve the integrity of the reading-frame (PMID: 30414627). For these reasons, this variant has been classified as Pathogenic.

CeGaT Center for Human Genetics Tuebingen
Classification: Pathogenic. Last evaluated: 2024-07-01. Review status: criteria provided, single submitter. Criteria: CeGaT Center For Human Genetics Tuebingen Variant Classification Criteria Version 2. Collection method: clinical testing. Allele origin: germline. Affected: yes. Observed: 1 variant allele.
Comment: POLR3A: PM3:Very Strong, PM2, PS3:Supporting

Blueprint Genetics
Classification: Likely pathogenic for POLR3A-related disorders. Last evaluated: 2024-03-18. Review status: criteria provided, single submitter. Criteria: ACMG Guidelines, 2015. Collection method: clinical testing. Allele origin: germline. Affected: yes. Observed: 3 variant alleles.

Cole/Wambach Lab, Washington University in St. Louis
Classification: Pathogenic for Neonatal pseudo-hydrocephalic progeroid syndrome. Last evaluated: 2018-10-01. Review status: criteria provided, single submitter. Criteria: ACMG Guidelines, 2015. Collection method: research. Allele origin: inherited. Affected: yes. Observed: 2 variant alleles.
Comment: in trans with other pathogenic variants in 2 unrelated individuals

Tartaglia Lab, Genetics and Rare Diseases Research Division, Bambino Gesu' Children's Hospital
Classification: Likely pathogenic for Neonatal pseudo-hydrocephalic progeroid syndrome. Last evaluated: 2018-04-01. Review status: criteria provided, single submitter. Criteria: ACMG Guidelines, 2015. Collection method: research. Allele origin: germline. Affected: yes.

DESAM Institute, Near East University
Classification: Pathogenic for Neonatal pseudo-hydrocephalic progeroid syndrome. Last evaluated: 2018-12-04. Review status: no assertion criteria provided. Collection method: clinical testing. Allele origin: paternal. Affected: yes. Observed: 2 variant alleles. Not counted in ClinVar's aggregate classification.

University of Washington Center for Mendelian Genomics, University of Washington
Classification: Likely pathogenic for Wiedemann-Rautenstrauch Syndrome. Review status: no assertion criteria provided. Collection method: research. Allele origin: inherited. Affected: yes. Not counted in ClinVar's aggregate classification.

Literature cited by the submitters: PubMed 30414627 (cited by 5 submitters); PubMed 21855841 (cited by Victorian Clinical Genetics Services, Murdoch Childrens Research Institute); PubMed 31637490 (cited by Victorian Clinical Genetics Services, Murdoch Childrens Research Institute); PubMed 32555393 (cited by Victorian Clinical Genetics Services, Murdoch Childrens Research Institute and Labcorp Genetics (formerly Invitae), Labcorp); PubMed 36825045 (cited by Victorian Clinical Genetics Services, Murdoch Childrens Research Institute); PubMed 30323018 (cited by Labcorp Genetics (formerly Invitae), Labcorp).